The following is an entry in ClinVar:

ClinVar aggregate classification (germline): Uncertain significance. Review status: criteria provided, multiple submitters, no conflicts (2 of 4 stars). 2 submissions from 2 submitters: Uncertain significance (2). Last evaluated 2024-11-12.

Conditions:
Inborn genetic diseases. Identifiers: MedGen C0950123, MeSH D030342.
Multiple gastrointestinal atresias. Also called: FAMILIAL INTESTINAL POLYATRESIA SYNDROME; Multiple intestinal atresia. Identifiers: Orphanet 2300, MedGen C0220744, MONDO:0009465.

Allele frequency attached by ClinVar (database versions not stated): gnomAD exomes below 0.00001; TOPMed below 0.00001; ExAC 0.00001; gnomAD 0.00001.

Submissions (3):

Ambry Genetics
Classification: Uncertain significance for Inborn genetic diseases. Last evaluated: 2024-11-12. Review status: criteria provided, single submitter. Criteria: Ambry Variant Classification Scheme 2023. Collection method: clinical testing. Allele origin: germline.

Labcorp Genetics (formerly Invitae), Labcorp
Classification: Uncertain significance for Multiple gastrointestinal atresias. Last evaluated: 2021-06-22. Review status: criteria provided, single submitter. Criteria: Invitae Variant Classification Sherloc (09022015). Collection method: clinical testing. Allele origin: germline.
Comment: This sequence change replaces glutamine with histidine at codon 208 of the TTC7A protein (p.Gln208His). The glutamine residue is moderately conserved and there is a small physicochemical difference between glutamine and histidine. In summary, the available evidence is currently insufficient to determine the role of this variant in disease. Therefore, it has been classified as a Variant of Uncertain Significance. Algorithms developed to predict the effect of missense changes on protein structure and function are either unavailable or do not agree on the potential impact of this missense change (SIFT: "Deleterious"; PolyPhen-2: "Benign"; Align-GVGD: "Class C0"). This variant has not been reported in the literature in individuals with TTC7A-related conditions. This variant is present in population databases (rs748288040, ExAC 0.001%).

Dr. Peter K. Rogan Lab, Western University
No classification provided (evidence only). Condition: Uterine corpus endometrial carcinoma. Review status: no classification provided. Collection method: in vitro. Allele origin: not applicable. Functional consequence: retained intron. Not counted in ClinVar's aggregate classification.

NM_020458.4(TTC7A):c.624G>T (p.Gln208His)

Genes: TTC7A (tetratricopeptide repeat domain 7A; plus strand), LOC126806211 (CDK7 strongly-dependent group 2 enhancer GRCh37_chr2:47201305-47202504; plus strand). Cytogenetic location: 2p21.
Variant type: single nucleotide variant.
Coding change: c.624G>T on transcript NM_020458.4 (MANE Select); coding-DNA position 624, G replaced by T.
Protein change: p.Gln208His; replaces glutamine 208 with histidine.
Molecular consequence: missense variant. On other transcripts: 5 prime UTR variant (1).
Genome position (GRCh38, 1-based): chr2:46,975,079, G>T. VCF-style: chr2-46975079-G-T. GRCh37 (hg19) VCF-style: chr2-47202218-G-T.
Other names: c.624G>T (NM_020458.2); c.624G>T, p.Gln208His (NM_001288951.2); c.522G>T, p.Gln174His (NM_001288953.2); c.-281G>T (NM_001288955.2); short protein forms Q174H, Q208H.
Identifiers: ClinVar variation 1460547 (VCV001460547.8), dbSNP rs748288040, ClinGen allele CA1647273.